The following is an entry in ClinVar:

NM_004004.6(GJB2):c.379C>T (p.Arg127Cys)

Gene: GJB2 (gap junction protein beta 2; minus strand). Cytogenetic location: 13q12.11.
Variant type: single nucleotide variant.
Coding change: c.379C>T on transcript NM_004004.6 (MANE Select); coding-DNA position 379, C replaced by T.
Protein change: p.Arg127Cys; replaces arginine 127 with cysteine.
Molecular consequence: missense variant.
Genome position (GRCh38, 1-based): chr13:20,189,203, G>A on the plus strand (C>T on the coding strand, the complement: GJB2 is on the minus strand). VCF-style: chr13-20189203-G-A. GRCh37 (hg19) VCF-style: chr13-20763342-G-A.
Other names: short protein forms R127C.
Identifiers: ClinVar variation 163514 (VCV000163514.20), dbSNP rs727503066, ClinGen allele CA176158.
Genomic context (GRCh38, chr13:20,189,203, plus strand): 5'-CGAAGATGACCCGGAAGAAGATGCTGCTTGTGTAGGTCCACCACAGGGAGCCTTCGATGC[G>A]GACCTTCTGGGTTTTGATCTCCTCGATGTCCTTAAATTCACTCTTTATCTCCCCCTTGAT-3'
Protein context (NP_003995.2, residues 117-137): DIEEIKTQKV[Arg127Cys]IEGSLWWTYT

ClinVar aggregate classification (germline): Pathogenic/Likely pathogenic. Review status: criteria provided, multiple submitters, no conflicts (2 of 4 stars). 6 submissions from 6 submitters: Pathogenic (4); Likely pathogenic (2). Last evaluated 2026-08-25.

Conditions:
Rare genetic deafness. Identifiers: Orphanet 96210, MedGen C5680250.
Autosomal dominant keratitis-ichthyosis-hearing loss syndrome. Also called: Senter syndrome; KID SYNDROME, AUTOSOMAL DOMINANT; HID SYNDROME. Identifiers: Orphanet 477, MedGen C0265336, MONDO:0007850, OMIM 148210.
Autosomal recessive nonsyndromic hearing loss 1A (DFNB1A). Also called: GJB2-Related Autosomal Recessive Nonsyndromic Hearing Loss; GJB6-Related DFNB 1 Nonsyndromic Hearing Loss and Deafness; Connexin 26 deafness; Deafness nonsyndromic, Connexin 26 linked; Nonsyndromic Hearing Loss and Deafness, DFNB1; Deafness, autosomal recessive 1A. Identifiers: Orphanet 90636, MedGen C2673759, MONDO:0009076, OMIM 220290.
Palmoplantar keratoderma-deafness syndrome. Also called: Keratoderma palmoplantar, with deafness; Palmoplantar keratoderma and sensorineural deafness; Hereditary palmoplantar keratoderma with deafness (subtype); Focal palmoplantar keratoderma with sensorineural deafness (subtype); Diffuse palmoplantar keratoderma with deafness (subtype). Identifiers: Orphanet 2202, MedGen C1835672, MONDO:0007852, OMIM 148350.
Ichthyosis, hystrix-like, with hearing loss. Also called: Hystrix-like ichthyosis with deafness. Identifiers: Orphanet 477, MedGen C1865234, MONDO:0011245.
Knuckle pads, deafness AND leukonychia syndrome. Also called: Bart-Pumphrey syndrome. Identifiers: Orphanet 2698, MedGen C0266004, MONDO:0007866, OMIM 149200.
Autosomal dominant nonsyndromic hearing loss 3A. Identifiers: Orphanet 90635, MedGen C2675750, MONDO:0011103, OMIM 601544.
X-linked mixed hearing loss with perilymphatic gusher. Also called: Gusher syndrome; NANCE DEAFNESS; PERILYMPHATIC GUSHER-DEAFNESS SYNDROME; SENSORINEURAL DEAFNESS, PROFOUND, WITH OR WITHOUT A CONDUCTIVE COMPONENT, ASSOCIATED WITH A UNIQUE DEVELOPMENTAL ABNORMALITY OF THE EAR; Deafness, X-linked 2. Identifiers: Orphanet 383, MedGen C1844678, MONDO:0010576, OMIM 304400.
Mutilating keratoderma (VOWNKL). Also called: Keratoderma hereditarium mutilans. Identifiers: Orphanet 494, MedGen C0265964, MONDO:0007422, OMIM 124500.

Allele frequency attached by ClinVar (database versions not stated): gnomAD exomes below 0.00001.

Submissions (6):

GeneDx
Classification: Pathogenic. Last evaluated: 2026-08-25. Review status: criteria provided, single submitter. Criteria: GeneDx Variant Classification Process June 2021. Collection method: clinical testing. Allele origin: germline.
Comment: Not observed at significant frequency in large population cohorts (gnomAD); In silico analysis supports that this missense variant has a deleterious effect on protein structure/function; This variant is associated with the following publications: (PMID: 17041943, 25388846, 11587277, 26896187, 30245029, 30068397, 16125251, 25587757, 35939872, Sakata2023[article], 25788563, 36048236, 38069086, 34599366, 31992338, 41000418)

Natera, Inc.
Classification: Pathogenic for Autosomal recessive deafness type 1A. Last evaluated: 2025-11-04. Review status: criteria provided, single submitter. Criteria: Natera Variant Classification Schema (03/2026). Collection method: clinical testing. Allele origin: germline.
Comment: The c.379C>T variant in GJB2 is a missense variant predicted to cause substitution of arginine to cysteine at amino acid 127. This variant is rare in the general population with a frequency below the threshold expected for the associated phenotype(s). This variant has been observed in one or more individuals affected with the associated recessive disease, as either homozygous or compound heterozygous with a second variant (PMID: 35939872, 26896187, 25587757, 11587277). Computational prediction algorithms indicate this variant is likely to affect gene or protein function. Given the available evidence, this variant is classified as Pathogenic.

Labcorp Genetics (formerly Invitae), Labcorp
Classification: Pathogenic. Last evaluated: 2025-05-12. Review status: criteria provided, single submitter. Criteria: Invitae Variant Classification Sherloc (09022015). Collection method: clinical testing. Allele origin: germline.
Comment: This sequence change replaces arginine, which is basic and polar, with cysteine, which is neutral and slightly polar, at codon 127 of the GJB2 protein (p.Arg127Cys). This variant is not present in population databases (gnomAD no frequency). This missense change has been observed in individual(s) with autosomal dominant and autosomal recessive deafness (PMID: 11587277, 26896187, 30068397, 31992338, 35939872, 38069086; internal data). In at least one individual the data is consistent with being in trans (on the opposite chromosome) from a pathogenic variant. ClinVar contains an entry for this variant (Variation ID: 163514). Invitae Evidence Modeling of protein sequence and biophysical properties (such as structural, functional, and spatial information, amino acid conservation, physicochemical variation, residue mobility, and thermodynamic stability) indicates that this missense variant is expected to disrupt GJB2 protein function with a positive predictive value of 95%. For these reasons, this variant has been classified as Pathogenic.

Women's Health and Genetics/Laboratory Corporation of America, LabCorp
Classification: Likely pathogenic for Autosomal recessive nonsyndromic hearing loss 1A. Last evaluated: 2025-01-03. Review status: criteria provided, single submitter. Criteria: LabCorp Variant Classification Summary - May 2015. Collection method: clinical testing. Allele origin: germline.
Comment: Variant summary: GJB2 c.379C>T (p.Arg127Cys) results in a non-conservative amino acid change located in the Connexin domain (IPR013092) of the encoded protein sequence. Four of five in-silico tools predict a damaging effect of the variant on protein function. The variant was absent in 250364 control chromosomes. c.379C>T has been reported in the presumed or confirmed compound heterozygous state in the literature in multiple individuals affected with autosomal recessive nonsyndromic deafness (example, Dahl_2001, Liu_2022, Mikstiene_2016, Nishio_2015), including at least 1 family where it was found in trans with pathogenic variant(s) and segregated in an autosomal recessive manner. This variant was also observed singly heterozygous in multiple individuals with nonsyndromic deafness (example, Carvalho_2018, Orzan_2002, Labcorp (formerly Invitae)), however some of these were presumed dominant based on genotype. These data indicate that the variant is likely to be associated with disease. To our knowledge, no experimental evidence demonstrating an impact on protein function has been reported. The following publications have been ascertained in the context of this evaluation (PMID: 30068397, 11587277, 35939872, 26896187, 25788563, 25587757, 12212857, 38069086, 17041943, 31992338). ClinVar contains an entry for this variant (Variation ID: 163514). While this variant has been reported in the literature/internally, the clinical significance of the variant for autosomal dominant nonsyndromic deafness could not be established. Based on the evidence outlined above, this variant is likely pathogenic for autosomal recessive nonsyndromic deafness.

Fulgent Genetics
Classification: Pathogenic for Mutilating keratoderma; Autosomal dominant keratitis-ichthyosis-hearing loss syndrome; Palmoplantar keratoderma-deafness syndrome; Knuckle pads, deafness AND leukonychia syndrome; Autosomal recessive nonsyndromic hearing loss 1A; X-linked mixed hearing loss with perilymphatic gusher; Autosomal dominant nonsyndromic hearing loss 3A. Last evaluated: 2018-10-31. Review status: criteria provided, single submitter. Criteria: ACMG Guidelines, 2015. Collection method: clinical testing. Allele origin: unknown.

Laboratory for Molecular Medicine, Mass General Brigham Personalized Medicine
Classification: Likely pathogenic for Rare genetic deafness. Last evaluated: 2016-11-30. Review status: criteria provided, single submitter. Criteria: LMM Criteria. Collection method: clinical testing. Allele origin: germline. Inheritance: Autosomal recessive inheritance. Observed: 3 variant alleles.
Comment: The p.Arg127Cys variant in GJB2 has been reported in 6 individuals with hearing loss, including three who were compound heterozygous with another pathogenic GJB 2 variant (Tang 2006, Dahl 2001, Mikstiene 2016, LMM data). This variant has not been identified in large population studies. Computational prediction tools and conservation analyses do not provide strong support for or against an impact to the protein. In summary, although additional studies are required to fully esta blish its clinical significance, this variant is likely pathogenic for autosomal recessive hearing loss based on multiple reported affected compound heterozygot es and a significantly higher frequency in affected individuals than in the gene ral population.

Literature cited by the submitters: PubMed 35939872 (cited by 3 submitters); PubMed 26896187 (cited by 4 submitters); PubMed 25587757 (cited by Natera, Inc. and Women's Health and Genetics/Laboratory Corporation of America, LabCorp); PubMed 11587277 (cited by 4 submitters); PubMed 30068397 (cited by Labcorp Genetics (formerly Invitae), Labcorp and Women's Health and Genetics/Laboratory Corporation of America, LabCorp); PubMed 31992338 (cited by Labcorp Genetics (formerly Invitae), Labcorp and Women's Health and Genetics/Laboratory Corporation of America, LabCorp); PubMed 38069086 (cited by Labcorp Genetics (formerly Invitae), Labcorp and Women's Health and Genetics/Laboratory Corporation of America, LabCorp); PubMed 17041943 (cited by Women's Health and Genetics/Laboratory Corporation of America, LabCorp and Laboratory for Molecular Medicine, Mass General Brigham Personalized Medicine); PubMed 12212857 (cited by Women's Health and Genetics/Laboratory Corporation of America, LabCorp); PubMed 25788563 (cited by Women's Health and Genetics/Laboratory Corporation of America, LabCorp).